The following is an entry in ClinVar:

NM_018975.4(TERF2IP):c.943A>G (p.Ile315Val)

Gene: TERF2IP (TERF2 interacting protein; plus strand). Cytogenetic location: 16q23.1.
Variant type: single nucleotide variant.
Coding change: c.943A>G on transcript NM_018975.4 (MANE Select); coding-DNA position 943, A replaced by G.
Protein change: p.Ile315Val; replaces isoleucine 315 with valine.
Molecular consequence: missense variant. On other transcripts: non-coding transcript variant (1).
Genome position (GRCh38, 1-based): chr16:75,656,354, A>G. VCF-style: chr16-75656354-A-G. GRCh37 (hg19) VCF-style: chr16-75690252-A-G.
Other names: short protein forms I315V.
Identifiers: ClinVar variation 1766955 (VCV001766955.3), dbSNP rs763328663, ClinGen allele CA8178134.

ClinVar aggregate classification (germline): Uncertain significance (1 of 4 stars; one submission).

Allele frequency attached by ClinVar (database versions not stated): gnomAD exomes below 0.00001; ExAC 0.00001; gnomAD 0.00001; TOPMed 0.00001.
gnomAD v4.1: 6 of 1,614,104 alleles (0.00037%); highest among the groups gnomAD compares: African/African-American, 0.0053%; no homozygotes.

Submission:

Ambry Genetics
Classification: Uncertain significance. Last evaluated: 2024-06-19. Review status: criteria provided, single submitter. Criteria: Ambry Variant Classification Scheme 2023. Collection method: clinical testing. Allele origin: germline.
Comment: The p.I315V variant (also known as c.943A>G), located in coding exon 3 of the TERF2IP gene, results from an A to G substitution at nucleotide position 943. The isoleucine at codon 315 is replaced by valine, an amino acid with highly similar properties. This amino acid position is conserved. In addition, this alteration is predicted to be tolerated by in silico analysis. Since supporting evidence is limited at this time, the clinical significance of this alteration remains unclear.